The following is an entry in ClinVar:

NM_176787.5(PIGN):c.549+5G>T

Gene: PIGN (phosphatidylinositol glycan anchor biosynthesis class N; minus strand). Cytogenetic location: 18q21.33.
Variant type: single nucleotide variant.
Coding change: c.549+5G>T on transcript NM_176787.5 (MANE Select); 5 bases into the intron after coding-DNA position 549, G replaced by T.
Molecular consequence: intron variant.
Genome position (GRCh38, 1-based): chr18:62,154,540, C>A on the plus strand (G>T on the coding strand, the complement: PIGN is on the minus strand). VCF-style: chr18-62154540-C-A. GRCh37 (hg19) VCF-style: chr18-59821773-C-A.
Other names: c.549+5G>T (NM_012327.6).
Identifiers: ClinVar variation 965553 (VCV000965553.7), dbSNP rs2036651321, ClinGen allele CA402602692.

ClinVar aggregate classification (germline): Uncertain significance (1 of 4 stars; one submission).

Conditions:
Multiple congenital anomalies-hypotonia-seizures syndrome 1 (MCAHS1). Also called: PIGN-CDG; Congenital disorder of glycosylation due to PIGN deficiency; GLYCOSYLPHOSPHATIDYLINOSITOL BIOSYNTHESIS DEFECT 3. Identifiers: Orphanet 280633, MedGen C3279775, MONDO:0013563, OMIM 614080.

Submission:

Labcorp Genetics (formerly Invitae), Labcorp
Classification: Uncertain significance for Multiple congenital anomalies-hypotonia-seizures syndrome 1. Last evaluated: 2019-10-13. Review status: criteria provided, single submitter. Criteria: Invitae Variant Classification Sherloc (09022015). Collection method: clinical testing. Allele origin: germline.
Comment: In summary, the available evidence is currently insufficient to determine the role of this variant in disease. Therefore, it has been classified as a Variant of Uncertain Significance. Nucleotide substitutions within the consensus splice site are a relatively common cause of aberrant splicing (PMID: 17576681, 9536098). Algorithms developed to predict the effect of sequence changes on RNA splicing suggest that this variant may disrupt the consensus splice site, but this prediction has not been confirmed by published transcriptional studies. This variant has not been reported in the literature in individuals with PIGN-related conditions. This variant is not present in population databases (ExAC no frequency). This sequence change falls in intron 7 of the PIGN gene. It does not directly change the encoded amino acid sequence of the PIGN protein, but it affects a nucleotide within the consensus splice site of the intron.

Literature cited by the submitters: PubMed 17576681; PubMed 9536098.